The following is an entry in ClinVar:

NM_015631.6(TCTN3):c.1176G>T (p.Leu392Phe)

Gene: TCTN3 (tectonic family member 3; minus strand). Cytogenetic location: 10q24.1.
Variant type: single nucleotide variant.
Coding change: c.1176G>T on transcript NM_015631.6 (MANE Select); coding-DNA position 1176, G replaced by T.
Protein change: p.Leu392Phe; replaces leucine 392 with phenylalanine.
Molecular consequence: missense variant.
Genome position (GRCh38, 1-based): chr10:95,683,549, C>A on the plus strand (G>T on the coding strand, the complement: TCTN3 is on the minus strand). VCF-style: chr10-95683549-C-A. GRCh37 (hg19) VCF-style: chr10-97443306-C-A.
Other names: c.732G>T, p.Leu244Phe (NM_001143973.2); c.1176G>T (NM_015631.5); short protein forms L244F, L392F.
Identifiers: ClinVar variation 1383093 (VCV001383093.6), dbSNP rs931265396, ClinGen allele CA211803182.
Genomic context (GRCh38, chr10:95,683,549, plus strand): 5'-CTGCAACAGGCCACCCAGCTCTAAAAAGGATACTGAGTAACTTATATCATCAGTCAGAGC[C>A]AAGAGTGGCTTCCCAACTATATAGCCAGGATTCCCACTTCTAGGACTGGTGAGAGAAGCA-3'
Protein context (NP_056446.4, residues 382-402): NPGYIVGKPL[Leu392Phe]ALTDDISYSM

ClinVar aggregate classification (germline): Uncertain significance. Review status: criteria provided, multiple submitters, no conflicts (2 of 4 stars). 2 submissions from 2 submitters: Uncertain significance (2). Last evaluated 2025-11-03.

Conditions:
Joubert syndrome 18 (JBTS18). Identifiers: Orphanet 2754, MedGen C3553758, MONDO:0013896, OMIM 614815.
Orofacial-digital syndrome IV (OFD4). Also called: BARAITSER-BURN SYNDROME; MOHR-MAJEWSKI SYNDROME; OFD SYNDROME WITH TIBIAL DEFECTS; OFD SYNDROME, BARAITSER-BURN TYPE; OFDS IV; ORAL-FACIAL-DIGITAL SYNDROME, TYPE IV. Identifiers: Orphanet 2753, MedGen C0406727, MONDO:0009794, OMIM 258860.
Inborn genetic diseases. Identifiers: MedGen C0950123, MeSH D030342.

Allele frequency attached by ClinVar (database versions not stated): gnomAD exomes 0.00001.

Submissions (2):

Ambry Genetics
Classification: Uncertain significance for Inborn genetic diseases. Last evaluated: 2025-11-03. Review status: criteria provided, single submitter. Criteria: Ambry Variant Classification Scheme 2023. Collection method: clinical testing. Allele origin: germline.

Labcorp Genetics (formerly Invitae), Labcorp
Classification: Uncertain significance for Joubert syndrome 18; Orofacial-digital syndrome IV. Last evaluated: 2024-02-24. Review status: criteria provided, single submitter. Criteria: Invitae Variant Classification Sherloc (09022015). Collection method: clinical testing. Allele origin: germline.
Comment: This sequence change replaces leucine, which is neutral and non-polar, with phenylalanine, which is neutral and non-polar, at codon 392 of the TCTN3 protein (p.Leu392Phe). This variant is present in population databases (no rsID available, gnomAD 0.0009%). This variant has not been reported in the literature in individuals affected with TCTN3-related conditions. ClinVar contains an entry for this variant (Variation ID: 1383093). Advanced modeling of protein sequence and biophysical properties (such as structural, functional, and spatial information, amino acid conservation, physicochemical variation, residue mobility, and thermodynamic stability) performed at Invitae indicates that this missense variant is expected to disrupt TCTN3 protein function with a positive predictive value of 80%. In summary, the available evidence is currently insufficient to determine the role of this variant in disease. Therefore, it has been classified as a Variant of Uncertain Significance.